The following is an entry in ClinVar:

ClinVar aggregate classification (germline): Uncertain significance (1 of 4 stars; one submission).

Conditions:
Inborn genetic diseases. Identifiers: MedGen C0950123, MeSH D030342.

Submission:

Ambry Genetics
Classification: Uncertain significance for Inborn genetic diseases. Last evaluated: 2025-01-20. Review status: criteria provided, single submitter. Criteria: Ambry Variant Classification Scheme 2023. Collection method: clinical testing. Allele origin: germline.
Comment: The p.M58T variant (also known as c.173T>C), located in coding exon 1 of the SAMD9L gene, results from a T to C substitution at nucleotide position 173. The methionine at codon 58 is replaced by threonine, an amino acid with similar properties. This amino acid position is conserved. In addition, the in silico prediction for this alteration is inconclusive. Based on the available evidence, the clinical significance of this variant remains unclear.

NM_152703.5(SAMD9L):c.173T>C (p.Met58Thr)

Gene: SAMD9L (sterile alpha motif domain containing 9 like; minus strand). Cytogenetic location: 7q21.2.
Variant type: single nucleotide variant.
Coding change: c.173T>C on transcript NM_152703.5 (MANE Select); coding-DNA position 173, T replaced by C.
Protein change: p.Met58Thr; replaces methionine 58 with threonine.
Molecular consequence: missense variant.
Genome position (GRCh38, 1-based): chr7:93,135,799, A>G on the plus strand (T>C on the coding strand, the complement: SAMD9L is on the minus strand). VCF-style: chr7-93135799-A-G. GRCh37 (hg19) VCF-style: chr7-92765112-A-G.
Other names: c.173T>C, p.Met58Thr (NM_001303496.3, NM_001303497.3, NM_001303498.3 and 5 more transcripts); short protein forms M58T.
Identifiers: ClinVar variation 3792334 (VCV003792334.1).